The following is an entry in ClinVar:

NM_007294.4(BRCA1):c.82C>A (p.Leu28Met)

Gene: BRCA1 (BRCA1 DNA repair associated; minus strand). Cytogenetic location: 17q21.31.
Variant type: single nucleotide variant.
Coding change: c.82C>A on transcript NM_007294.4 (MANE Select); coding-DNA position 82, C replaced by A.
Protein change: p.Leu28Met; replaces leucine 28 with methionine.
Molecular consequence: missense variant. On other transcripts: non-coding transcript variant (1), intron variant (1).
Genome position (GRCh38, 1-based): chr17:43,115,778, G>T on the plus strand (C>A on the coding strand, the complement: BRCA1 is on the minus strand). VCF-style: chr17-43115778-G-T. GRCh37 (hg19) VCF-style: chr17-41267795-G-T.
Other names: c.82C>A, p.Leu28Met (NM_001407972.1, NM_001407973.1, NM_001407974.1 and 192 more transcripts); c.-60C>A (NM_001408410.1, NM_001408452.1, NM_001408453.1 and 47 more transcripts); c.-176C>A (NM_001408455.1, NM_001408456.1, NM_001408468.1 and 13 more transcripts); c.-180C>A (NM_001408465.1, NM_001407695.1); c.-107C>A (NM_001408478.1, NM_001408479.1, NM_001408480.1 and 52 more transcripts); c.-223C>A (NM_001408492.1, NM_001407889.1, NM_001407900.1); c.-222C>A (NM_001408510.1, NM_001408512.1, NM_001407960.1 and 1 more transcripts); c.-8+8239C>A (NM_007297.4); and 2 more; short protein forms L28M.
Identifiers: ClinVar variation 867464 (VCV000867464.5), dbSNP rs1219301058, ClinGen allele CA10601989.

ClinVar aggregate classification (germline): Uncertain significance (1 of 4 stars; one submission).

Conditions:
Hereditary breast ovarian cancer syndrome. Also called: Hereditary breast and/or ovarian cancer syndrome; BRCA1- and BRCA2-Associated Hereditary Breast and Ovarian Cancer; Hereditary breast and ovarian cancer syndrome; Hereditary breast and ovarian cancer; Hereditary breast and ovarian cancer syndrome (HBOC); Breast and ovarian cancer. Identifiers: Orphanet 145, MedGen C0677776, MeSH D061325, MONDO:0003582. Disease mechanism: loss of function.

Submissions (2):

Labcorp Genetics (formerly Invitae), Labcorp
Classification: Uncertain significance for Hereditary breast ovarian cancer syndrome. Last evaluated: 2022-03-06. Review status: criteria provided, single submitter. Criteria: Invitae Variant Classification Sherloc (09022015). Collection method: clinical testing. Allele origin: germline.
Comment: This sequence change replaces leucine, which is neutral and non-polar, with methionine, which is neutral and non-polar, at codon 28 of the BRCA1 protein (p.Leu28Met). This variant is not present in population databases (gnomAD no frequency). This variant has not been reported in the literature in individuals affected with BRCA1-related conditions. ClinVar contains an entry for this variant (Variation ID: 867464). Algorithms developed to predict the effect of missense changes on protein structure and function are either unavailable or do not agree on the potential impact of this missense change (SIFT: "Deleterious"; PolyPhen-2: "Probably Damaging"; Align-GVGD: "Class C0"). Experimental studies are conflicting or provide insufficient evidence to determine the effect of this variant on BRCA1 function (PMID: 25823446, 30209399). In summary, the available evidence is currently insufficient to determine the role of this variant in disease. Therefore, it has been classified as a Variant of Uncertain Significance.

Brotman Baty Institute, University of Washington
No classification provided (evidence only). Condition: Breast-ovarian cancer, familial 1. Review status: no classification provided. Collection method: in vitro. Allele origin: not applicable. Functional consequence: functionally_normal. Not counted in ClinVar's aggregate classification.
ClinVar note: "not provided" was previously submitted as the classification for the variant. However, the classification appeared to be based only on an observation of functional data so it was converted to no classification on 2025-07-30.

Literature cited by the submitters: PubMed 25823446 (cited by Labcorp Genetics (formerly Invitae), Labcorp); PubMed 30209399 (cited by Labcorp Genetics (formerly Invitae), Labcorp).